The following is an entry in ClinVar:

ClinVar aggregate classification (germline): Uncertain significance. Review status: criteria provided, multiple submitters, no conflicts (2 of 4 stars). 3 submissions from 3 submitters: Uncertain significance (3). Last evaluated 2026-09-11.

Conditions:
UNC80-related disorder. Also called: UNC80-related condition.
Inborn genetic diseases. Identifiers: MedGen C0950123, MeSH D030342.

gnomAD v4.1: 24 of 1,612,278 alleles (0.0015%); highest among the groups gnomAD compares: African/African-American, 0.029%; no homozygotes.

Submissions (3):

PreventionGenetics, part of Exact Sciences
Classification: Uncertain significance for UNC80-related condition. Last evaluated: 2026-09-11. Review status: criteria provided, single submitter. Criteria: ACMG Guidelines, 2015. Collection method: clinical testing. Allele origin: germline.
Comment: The UNC80 c.783T>A variant is predicted to result in the amino acid substitution p.Asp261Glu. To our knowledge, this variant has not been reported in the literature. This variant is reported in 0.024% of alleles in individuals of African descent in gnomAD. At this time, the clinical significance of this variant is uncertain due to the absence of conclusive functional and genetic evidence.

Labcorp Genetics (formerly Invitae), Labcorp
Classification: Uncertain significance. Last evaluated: 2024-10-23. Review status: criteria provided, single submitter. Criteria: Invitae Variant Classification Sherloc (09022015). Collection method: clinical testing. Allele origin: germline.
Comment: This sequence change replaces aspartic acid, which is acidic and polar, with glutamic acid, which is acidic and polar, at codon 261 of the UNC80 protein (p.Asp261Glu). This variant is present in population databases (no rsID available, gnomAD 0.02%). This variant has not been reported in the literature in individuals affected with UNC80-related conditions. ClinVar contains an entry for this variant (Variation ID: 1401171). An algorithm developed to predict the effect of missense changes on protein structure and function outputs the following: PolyPhen-2: "Benign". The glutamic acid amino acid residue is found in multiple mammalian species, which suggests that this missense change does not adversely affect protein function. In summary, the available evidence is currently insufficient to determine the role of this variant in disease. Therefore, it has been classified as a Variant of Uncertain Significance.

Ambry Genetics
Classification: Uncertain significance for Inborn genetic diseases. Last evaluated: 2024-09-03. Review status: criteria provided, single submitter. Criteria: Ambry Variant Classification Scheme 2023. Collection method: clinical testing. Allele origin: germline.

NM_001371986.1(UNC80):c.783T>A (p.Asp261Glu)

Gene: UNC80 (unc-80 subunit of NALCN channel complex; plus strand). Cytogenetic location: 2q34.
Variant type: single nucleotide variant.
Coding change: c.783T>A on transcript NM_001371986.1 (MANE Select); coding-DNA position 783, T replaced by A.
Protein change: p.Asp261Glu; replaces aspartic acid 261 with glutamic acid.
Molecular consequence: missense variant.
Genome position (GRCh38, 1-based): chr2:209,789,590, T>A. VCF-style: chr2-209789590-T-A. GRCh37 (hg19) VCF-style: chr2-210654314-T-A.
Other names: c.783T>A (NM_032504.1); c.783T>A, p.Asp261Glu (NM_032504.2, NM_182587.4); short protein forms D261E.
Identifiers: ClinVar variation 1401171 (VCV001401171.8), dbSNP rs375846737, ClinGen allele CA64651740.